The following is an entry in ClinVar:

ClinVar aggregate classification (germline): Uncertain significance (1 of 4 stars; one submission).

Allele frequency attached by ClinVar (database versions not stated): gnomAD 0.00002; TOPMed 0.00002.
gnomAD v4.1: 13 of 1,613,904 alleles (0.00081%); highest among the groups gnomAD compares: East Asian, 0.0089%; no homozygotes.

Submission:

Labcorp Genetics (formerly Invitae), Labcorp
Classification: Uncertain significance. Last evaluated: 2021-04-25. Review status: criteria provided, single submitter. Criteria: Invitae Variant Classification Sherloc (09022015). Collection method: clinical testing. Allele origin: germline.
Comment: In summary, the available evidence is currently insufficient to determine the role of this variant in disease. Therefore, it has been classified as a Variant of Uncertain Significance. Experimental studies and prediction algorithms are not available or were not evaluated, and the functional significance of this variant is currently unknown. This variant has not been reported in the literature in individuals with HTT-related conditions. This variant is present in population databases (rs758715607, ExAC 0.01%). This sequence change replaces valine with isoleucine at codon 979 of the HTT protein (p.Val979Ile). The valine residue is highly conserved and there is a small physicochemical difference between valine and isoleucine.

NM_001388492.1(HTT):c.2929G>A (p.Val977Ile)

Gene: HTT (huntingtin; plus strand). Cytogenetic location: 4p16.3.
Variant type: single nucleotide variant.
Coding change: c.2929G>A on transcript NM_001388492.1 (MANE Select); coding-DNA position 2929, G replaced by A.
Protein change: p.Val977Ile; replaces valine 977 with isoleucine.
Molecular consequence: missense variant.
Genome position (GRCh38, 1-based): chr4:3,140,640, G>A. VCF-style: chr4-3140640-G-A. GRCh37 (hg19) VCF-style: chr4-3142367-G-A.
Other names: c.2935G>A, p.Val979Ile (NM_002111.8); short protein forms V977I, V979I.
Identifiers: ClinVar variation 1475891 (VCV001475891.6), dbSNP rs758715607, ClinGen allele CA2823982.